The following is an entry in ClinVar:

ClinVar aggregate classification (germline): Benign/Likely benign. Review status: criteria provided, multiple submitters, no conflicts (2 of 4 stars). 5 submissions from 5 submitters: Benign (2); Likely benign (3). Last evaluated 2025-08-18.

Conditions:
Familial thoracic aortic aneurysm and aortic dissection (TAAD). Also called: Thoracic aortic aneurysms and dissections. Identifiers: Orphanet 91387, MedGen C4707243, MONDO:0019625.
Loeys-Dietz syndrome 2 (LDS2). Also called: TGFBR2-Related Loeys-Dietz Syndrome; Marfan Syndrome type 2; Marfan like connective tissue disorder; MFS 2; Marfan syndrome, type 2 (formerly); AORTIC ANEURYSM, FAMILIAL THORACIC 3. Identifiers: Orphanet 284973, Orphanet 558, MedGen C2674574, MONDO:0012427, OMIM 610168.

Allele frequency attached by ClinVar (database versions not stated): ESP Exome Variant Server 0.00023; gnomAD 0.00025 and 0.00026; TOPMed 0.00029; 1000 Genomes Project 0.00040; 1000 Genomes Project 30x 0.00047.
gnomAD v4.1: 83 of 1,614,224 alleles (0.0051%); highest among the groups gnomAD compares: African/African-American, 0.097%; no homozygotes.

Submissions (5):

Labcorp Genetics (formerly Invitae), Labcorp
Classification: Benign for Familial thoracic aortic aneurysm and aortic dissection. Last evaluated: 2025-08-18. Review status: criteria provided, single submitter. Criteria: Invitae Variant Classification Sherloc (09022015). Collection method: clinical testing. Allele origin: germline.

All of Us Research Program, National Institutes of Health
Classification: Likely benign for Loeys-Dietz syndrome 2. Last evaluated: 2024-02-05. Review status: criteria provided, single submitter. Criteria: ACMG Guidelines, 2015. Collection method: clinical testing. Allele origin: germline. Inheritance: Autosomal dominant inheritance. Observed: 14 variant alleles, 14 heterozygotes.
Comment: This study involves interpretation of variants in research participants for the purpose of population health screening. Participant phenotype was not available at the time of variant classification. Additional details can be found in publication PMID: 35346344, PMCID: PMC8962531

Ambry Genetics
Classification: Likely benign for Familial thoracic aortic aneurysm and aortic dissection. Last evaluated: 2022-11-15. Review status: criteria provided, single submitter. Criteria: Ambry Variant Classification Scheme 2023. Collection method: clinical testing. Allele origin: germline.

Color Diagnostics, LLC DBA Color Health
Classification: Likely benign for Familial thoracic aortic aneurysm and aortic dissection. Last evaluated: 2018-11-27. Review status: criteria provided, single submitter. Criteria: ACMG Guidelines, 2015. Collection method: clinical testing. Allele origin: germline.

GeneDx
Classification: Benign. Last evaluated: 2015-05-01. Review status: criteria provided, single submitter. Criteria: GeneDx Variant Classification (06012015). Collection method: clinical testing. Allele origin: germline. Affected: yes.
Comment: This variant is considered likely benign or benign based on one or more of the following criteria: it is a conservative change, it occurs at a poorly conserved position in the protein, it is predicted to be benign by multiple in silico algorithms, and/or has population frequency not consistent with disease.

NM_003242.6(TGFBR2):c.915C>T (p.Leu305=)

Gene: TGFBR2 (transforming growth factor beta receptor 2; plus strand). Cytogenetic location: 3p24.1.
Variant type: single nucleotide variant.
Coding change: c.915C>T on transcript NM_003242.6 (MANE Select); coding-DNA position 915, C replaced by T.
Protein change: p.Leu305=; no amino-acid change (leucine 305 retained).
Molecular consequence: synonymous variant. On other transcripts: intron variant (1).
Genome position (GRCh38, 1-based): chr3:30,672,098, C>T. VCF-style: chr3-30672098-C-T. GRCh37 (hg19) VCF-style: chr3-30713590-C-T.
Other names: p.L305L:CTC>CTT; c.990C>T, p.Leu330= (NM_001024847.3); c.1098C>T, p.Leu366= (NM_001407126.1); c.1023C>T, p.Leu341= (NM_001407127.1); c.942C>T, p.Leu314= (NM_001407128.1); c.918C>T, p.Leu306= (NM_001407129.1); c.915C>T, p.Leu305= (NM_001407130.1); c.810C>T, p.Leu270= (NM_001407132.1, NM_001407133.1, NM_001407134.1 and 2 more transcripts); and 3 more.
Identifiers: ClinVar variation 213906 (VCV000213906.18), dbSNP rs146030104, ClinGen allele CA050149.